The following is an entry in ClinVar:

NM_002016.2(FLG):c.7557C>T (p.Asn2519=)

Genes: CCDST (cervical cancer associated DHX9 suppressive transcript; plus strand), FLG (filaggrin; minus strand). Cytogenetic location: 1q21.3.
Variant type: single nucleotide variant.
Coding change: c.7557C>T on transcript NM_002016.2 (MANE Select); coding-DNA position 7557, C replaced by T.
Protein change: p.Asn2519=; no amino-acid change (asparagine 2519 retained).
Molecular consequence: synonymous variant.
Genome position (GRCh38, 1-based): chr1:152,307,329, G>A on the plus strand (C>T on the coding strand, the complement: FLG is on the minus strand). VCF-style: chr1-152307329-G-A. GRCh37 (hg19) VCF-style: chr1-152279805-G-A.
Identifiers: ClinVar variation 2639267 (VCV002639267.25), dbSNP rs113878714, ClinGen allele CA1104664.
Genomic context (GRCh38, chr1:152,307,329, plus strand): 5'-AGAGGAAGCTTCATGGTGACGCGACCCTGAGTGCCTGGAGCCGTCTCCTGATTGTTCATC[G>A]TTACGAGTTTGTCTGCTTGCACTTCTGGATCCTGAGTGCCCATGGGAGGCATCAGACCTT-3'
Protein context (NP_002007.1, residues 2509-2529): GSRSASRQTR[Asn2519=]DEQSGDGSRH

ClinVar aggregate classification (germline): Likely benign. Review status: criteria provided, multiple submitters, no conflicts (2 of 4 stars). 2 submissions from 2 submitters: Likely benign (2). Last evaluated 2026-08-01.

Allele frequency attached by ClinVar (database versions not stated): 1000 Genomes Project 0.00240; 1000 Genomes Project 30x 0.00297; TOPMed 0.00210; ESP Exome Variant Server 0.00215.
gnomAD v4.1: 723 of 1,612,880 alleles (0.045%); highest among the groups gnomAD compares: African/African-American, 0.63%; 11 homozygotes.

Submissions (2):

CeGaT Center for Human Genetics Tuebingen
Classification: Likely benign. Last evaluated: 2026-08-01. Review status: criteria provided, single submitter. Criteria: CeGaT Center For Human Genetics Tuebingen Variant Classification Criteria Version 2. Collection method: clinical testing. Allele origin: germline. Affected: yes. Observed: 4 variant alleles.
Comment: FLG: BP4, BP7

Blueprint Genetics
Classification: Likely benign. Last evaluated: 2024-08-16. Review status: criteria provided, single submitter. Criteria: ACMG Guidelines, 2015. Collection method: clinical testing. Allele origin: germline.